The following is an entry in ClinVar:

NM_005585.5(SMAD6):c.1016A>T (p.His339Leu)

Gene: SMAD6 (SMAD family member 6; plus strand). Cytogenetic location: 15q22.31.
Variant type: single nucleotide variant.
Coding change: c.1016A>T on transcript NM_005585.5 (MANE Select); coding-DNA position 1016, A replaced by T.
Protein change: p.His339Leu; replaces histidine 339 with leucine.
Molecular consequence: missense variant. On other transcripts: non-coding transcript variant (1).
Genome position (GRCh38, 1-based): chr15:66,781,060, A>T. VCF-style: chr15-66781060-A-T. GRCh37 (hg19) VCF-style: chr15-67073398-A-T.
Other names: short protein forms H339L.
Identifiers: ClinVar variation 1744530 (VCV001744530.8), dbSNP rs142278375, ClinGen allele CA7626708.

ClinVar aggregate classification (germline): Conflicting classifications of pathogenicity. Review status: criteria provided, conflicting classifications (1 of 4 stars). 3 submissions from 3 submitters: Uncertain significance (2); Likely benign (1). Last evaluated 2025-09-27.

Conditions:
Aortic valve disease 2 (AOVD2). Identifiers: MedGen C3542024, MONDO:0013902, OMIM 614823.
Inborn genetic diseases. Identifiers: MedGen C0950123, MeSH D030342.

Allele frequency attached by ClinVar (database versions not stated): ExAC 0.00001; gnomAD 0.00001; TOPMed 0.00001; ESP Exome Variant Server 0.00008.
gnomAD v4.1: 16 of 1,603,318 alleles (0.001%); highest among the groups gnomAD compares: Non-Finnish European, 0.0014%; no homozygotes.

Submissions (3):

Labcorp Genetics (formerly Invitae), Labcorp
Classification: Uncertain significance for Aortic valve disease 2. Last evaluated: 2025-09-27. Review status: criteria provided, single submitter. Criteria: Invitae Variant Classification Sherloc (09022015). Collection method: clinical testing. Allele origin: germline.
Comment: This sequence change replaces histidine, which is basic and polar, with leucine, which is neutral and non-polar, at codon 339 of the SMAD6 protein (p.His339Leu). The frequency data for this variant in the population databases is considered unreliable, as metrics indicate poor data quality at this position in the gnomAD database. This variant has not been reported in the literature in individuals affected with SMAD6-related conditions. ClinVar contains an entry for this variant (Variation ID: 1744530). Invitae Evidence Modeling of protein sequence and biophysical properties (such as structural, functional, and spatial information, amino acid conservation, physicochemical variation, residue mobility, and thermodynamic stability) indicates that this missense variant is not expected to disrupt SMAD6 protein function with a negative predictive value of 80%. In summary, the available evidence is currently insufficient to determine the role of this variant in disease. Therefore, it has been classified as a Variant of Uncertain Significance.

Blueprint Genetics
Classification: Likely benign. Last evaluated: 2023-01-31. Review status: criteria provided, single submitter. Criteria: ACMG Guidelines, 2015. Collection method: clinical testing. Allele origin: germline.

Ambry Genetics
Classification: Uncertain significance for Inborn genetic diseases. Last evaluated: 2022-10-17. Review status: criteria provided, single submitter. Criteria: Ambry Variant Classification Scheme 2023. Collection method: clinical testing. Allele origin: germline.
Comment: The p.H339L variant (also known as c.1016A>T), located in coding exon 4 of the SMAD6 gene, results from an A to T substitution at nucleotide position 1016. The histidine at codon 339 is replaced by leucine, an amino acid with similar properties. This amino acid position is conserved. In addition, this alteration is predicted to be deleterious by in silico analysis. Since supporting evidence is limited at this time, the clinical significance of this alteration remains unclear.